The following is an entry in ClinVar:

ClinVar aggregate classification (germline): Uncertain significance (1 of 4 stars; one submission).

gnomAD v4.1: 1 of 1,605,828 alleles (0.000062%); highest among the groups gnomAD compares: African/African-American, 0.0013%; no homozygotes.

Submission:

Labcorp Genetics (formerly Invitae), Labcorp
Classification: Uncertain significance. Last evaluated: 2025-03-29. Review status: criteria provided, single submitter. Criteria: Invitae Variant Classification Sherloc (09022015). Collection method: clinical testing. Allele origin: germline.
Comment: This sequence change replaces isoleucine, which is neutral and non-polar, with threonine, which is neutral and polar, at codon 2473 of the PIEZO2 protein (p.Ile2473Thr). This variant is not present in population databases (gnomAD no frequency). This variant has not been reported in the literature in individuals affected with PIEZO2-related conditions. Invitae Evidence Modeling of protein sequence and biophysical properties (such as structural, functional, and spatial information, amino acid conservation, physicochemical variation, residue mobility, and thermodynamic stability) indicates that this missense variant is not expected to disrupt PIEZO2 protein function with a negative predictive value of 80%. In summary, the available evidence is currently insufficient to determine the role of this variant in disease. Therefore, it has been classified as a Variant of Uncertain Significance.

NM_001378183.1(PIEZO2):c.7757T>C (p.Ile2586Thr)

Gene: PIEZO2 (piezo type mechanosensitive ion channel component 2; minus strand). Cytogenetic location: 18p11.22.
Variant type: single nucleotide variant.
Coding change: c.7757T>C on transcript NM_001378183.1 (MANE Select); coding-DNA position 7757, T replaced by C.
Protein change: p.Ile2586Thr; replaces isoleucine 2586 with threonine.
Molecular consequence: missense variant.
Genome position (GRCh38, 1-based): chr18:10,681,683, A>G on the plus strand (T>C on the coding strand, the complement: PIEZO2 is on the minus strand). VCF-style: chr18-10681683-A-G. GRCh37 (hg19) VCF-style: chr18-10681680-A-G.
Other names: c.7493T>C, p.Ile2498Thr (NM_001410871.1); c.7418T>C, p.Ile2473Thr (NM_022068.4); short protein forms I2473T, I2498T, I2586T.
Identifiers: ClinVar variation 4802169 (VCV004802169.1).